The following is an entry in ClinVar:

NM_000448.3(RAG1):c.130G>A (p.Glu44Lys)

Gene: RAG1 (recombination activating 1; plus strand). Cytogenetic location: 11p12.
Variant type: single nucleotide variant.
Coding change: c.130G>A on transcript NM_000448.3 (MANE Select); coding-DNA position 130, G replaced by A.
Protein change: p.Glu44Lys; replaces glutamic acid 44 with lysine.
Molecular consequence: missense variant.
Genome position (GRCh38, 1-based): chr11:36,573,434, G>A. VCF-style: chr11-36573434-G-A. GRCh37 (hg19) VCF-style: chr11-36594984-G-A.
Other names: c.130G>A, p.Glu44Lys (NM_001377277.1, NM_001377278.1, NM_001377279.1 and 1 more transcripts); short protein forms E44K.
Identifiers: ClinVar variation 1503814 (VCV001503814.8), dbSNP rs1850778515, ClinGen allele CA380145661.

ClinVar aggregate classification (germline): Uncertain significance (1 of 4 stars; one submission).

Conditions:
Severe combined immunodeficiency, autosomal recessive, T cell-negative, B cell-negative, NK cell-positive. Also called: SCID, T CELL-NEGATIVE, B CELL-NEGATIVE, NK CELL-POSITIVE; SCID, AR, T-cell negative, B-cell negative, NK cell-positive; Severe combined immunodeficiency due to complete RAG1/2 deficiency. Identifiers: Orphanet 331206, MedGen C1832322, MONDO:0011086, OMIM 601457.
Combined immunodeficiency with skin granulomas. Identifiers: Orphanet 157949, MedGen C2673536, MONDO:0009306, OMIM 233650.

Allele frequency attached by ClinVar (database versions not stated): TOPMed below 0.00001.

Submission:

Labcorp Genetics (formerly Invitae), Labcorp
Classification: Uncertain significance for Combined immunodeficiency with skin granulomas; Severe combined immunodeficiency, autosomal recessive, T cell-negative, B cell-negative, NK cell-positive. Last evaluated: 2022-01-27. Review status: criteria provided, single submitter. Criteria: Invitae Variant Classification Sherloc (09022015). Collection method: clinical testing. Allele origin: germline.
Comment: This sequence change replaces glutamic acid, which is acidic and polar, with lysine, which is basic and polar, at codon 44 of the RAG1 protein (p.Glu44Lys). This variant is not present in population databases (gnomAD no frequency). This variant has not been reported in the literature in individuals affected with RAG1-related conditions. Advanced modeling of protein sequence and biophysical properties (such as structural, functional, and spatial information, amino acid conservation, physicochemical variation, residue mobility, and thermodynamic stability) performed at Invitae indicates that this missense variant is not expected to disrupt RAG1 protein function. In summary, the available evidence is currently insufficient to determine the role of this variant in disease. Therefore, it has been classified as a Variant of Uncertain Significance.